The following is an entry in ClinVar:

NM_001041.4(SI):c.4328T>C (p.Ile1443Thr)

Gene: SI (sucrase-isomaltase; minus strand). Cytogenetic location: 3q26.1.
Variant type: single nucleotide variant.
Coding change: c.4328T>C on transcript NM_001041.4 (MANE Select); coding-DNA position 4328, T replaced by C.
Protein change: p.Ile1443Thr; replaces isoleucine 1443 with threonine.
Molecular consequence: missense variant.
Genome position (GRCh38, 1-based): chr3:165,006,894, A>G on the plus strand (T>C on the coding strand, the complement: SI is on the minus strand). VCF-style: chr3-165006894-A-G. GRCh37 (hg19) VCF-style: chr3-164724682-A-G.
Other names: short protein forms I1443T.
Identifiers: ClinVar variation 900559 (VCV000900559.11), dbSNP rs761717351, ClinGen allele CA2689950.

ClinVar aggregate classification (germline): Uncertain significance. Review status: criteria provided, multiple submitters, no conflicts (2 of 4 stars). 2 submissions from 2 submitters: Uncertain significance (2). Last evaluated 2022-06-11.

Conditions:
Sucrase-isomaltase deficiency (CSID). Also called: SI DEFICIENCY; Deficiency of isomaltase; Congenital sucrose isomaltose malabsorption; Sucrose isomaltose enzyme deficiency. Identifiers: Orphanet 35122, MedGen C1283620, MONDO:0009114, OMIM 222900.

Allele frequency attached by ClinVar (database versions not stated): gnomAD exomes 0.00001; ExAC 0.00002.
gnomAD v4.1: 16 of 1,612,266 alleles (0.00099%); highest among the groups gnomAD compares: Non-Finnish European, 0.0014%; no homozygotes.

Submissions (2):

Labcorp Genetics (formerly Invitae), Labcorp
Classification: Uncertain significance. Last evaluated: 2022-06-11. Review status: criteria provided, single submitter. Criteria: Invitae Variant Classification Sherloc (09022015). Collection method: clinical testing. Allele origin: germline.
Comment: In summary, the available evidence is currently insufficient to determine the role of this variant in disease. Therefore, it has been classified as a Variant of Uncertain Significance. Algorithms developed to predict the effect of missense changes on protein structure and function (SIFT, PolyPhen-2, Align-GVGD) all suggest that this variant is likely to be tolerated. ClinVar contains an entry for this variant (Variation ID: 900559). This variant is present in population databases (rs761717351, gnomAD 0.003%). This sequence change replaces isoleucine, which is neutral and non-polar, with threonine, which is neutral and polar, at codon 1443 of the SI protein (p.Ile1443Thr). This variant has not been reported in the literature in individuals affected with SI-related conditions.

Illumina Laboratory Services, Illumina
Classification: Uncertain significance for Sucrase-isomaltase deficiency. Last evaluated: 2018-01-13. Review status: criteria provided, single submitter. Criteria: ICSL Variant Classification Criteria 13 December 2019. Collection method: clinical testing. Allele origin: germline.